The following is an entry in ClinVar:

ClinVar aggregate classification (germline): Benign. Review status: criteria provided, multiple submitters, no conflicts (2 of 4 stars). 8 submissions from 8 submitters: Benign (6). 2 of the submissions do not count toward it. Last evaluated 2026-02-04.

Conditions:
Congenital myasthenic syndrome (CMS). Also called: Congenital Myasthenic Syndromes. Identifiers: Orphanet 590, MedGen C0751882, MeSH D020294, MONDO:0018940.
Congenital myasthenic syndrome 4A. Also called: MYASTHENIC SYNDROME, CONGENITAL, 4A, SLOW-CHANNEL, AUTOSOMAL RECESSIVE; Myasthenic syndrome, congenital, 4a, slow-channel; CONGENITAL MYASTHENIC SYNDROME TYPE Ia1. Identifiers: Orphanet 590, MedGen C4225413, MONDO:0011600, OMIM 605809.

Allele frequency attached by ClinVar (database versions not stated): gnomAD exomes 0.00747; ExAC 0.00828; gnomAD 0.02026; ESP Exome Variant Server 0.02422; TOPMed 0.02479; 1000 Genomes Project 0.02496; 1000 Genomes Project 30x 0.02764.
gnomAD v4.1: 9,178 of 1,613,954 alleles (0.57%); highest among the groups gnomAD compares: African/African-American, 6.9%; 210 homozygotes.

Submissions (8):

Labcorp Genetics (formerly Invitae), Labcorp
Classification: Benign for Congenital myasthenic syndrome 4A. Last evaluated: 2026-02-04. Review status: criteria provided, single submitter. Criteria: Invitae Variant Classification Sherloc (09022015). Collection method: clinical testing. Allele origin: germline.

Athena Diagnostics
Classification: Benign. Last evaluated: 2018-03-27. Review status: criteria provided, single submitter. Criteria: Athena Diagnostics Criteria. Collection method: clinical testing. Allele origin: germline.

Illumina Laboratory Services, Illumina
Classification: Benign for Congenital myasthenic syndrome. Last evaluated: 2018-01-12. Review status: criteria provided, single submitter. Criteria: ICSL Variant Classification Criteria 13 December 2019. Collection method: clinical testing. Allele origin: germline.
Comment: This variant was observed in the ICSL laboratory as part of a predisposition screen in an ostensibly healthy population. It had not been previously curated by ICSL or reported in the Human Gene Mutation Database (HGMD: prior to June 1st, 2018), and was therefore a candidate for classification through an automated scoring system. Utilizing variant allele frequency, disease prevalence and penetrance estimates, and inheritance mode, an automated score was calculated to assess if this variant is too frequent to cause the disease. Based on the score and internal cut-off values, a variant classified as benign is not then subjected to further curation. The score for this variant resulted in a classification of benign for this disease.

GeneDx
Classification: Benign. Last evaluated: 2016-04-19. Review status: criteria provided, single submitter. Criteria: GeneDx Variant Classification (06012015). Collection method: clinical testing. Allele origin: germline. Affected: yes.
Comment: This variant is considered likely benign or benign based on one or more of the following criteria: it is a conservative change, it occurs at a poorly conserved position in the protein, it is predicted to be benign by multiple in silico algorithms, and/or has population frequency not consistent with disease.

Breakthrough Genomics
Classification: Benign. Review status: criteria provided, single submitter. Criteria: ACMG Guidelines, 2015. Collection method: not provided. Allele origin: germline. Inheritance: Autosomal recessive inheritance. Affected: yes.

PreventionGenetics, part of Exact Sciences
Classification: Benign. Review status: criteria provided, single submitter. Criteria: ACMG Guidelines, 2015. Collection method: clinical testing. Allele origin: germline.

Natera, Inc.
Classification: Benign for Congenital myasthenic syndrome. Last evaluated: 2020-09-16. Review status: no assertion criteria provided. Collection method: clinical testing. Allele origin: germline. Not counted in ClinVar's aggregate classification.

Genetic Services Laboratory, University of Chicago
Classification: Likely benign for AllHighlyPenetrant. Review status: no assertion criteria provided. Collection method: clinical testing. Allele origin: germline. Not counted in ClinVar's aggregate classification.
Comment: Likely benign based on allele frequency in 1000 Genomes Project or ESP global frequency and its presence in a patient with a rare or unrelated disease phenotype. NOT Sanger confirmed.

NM_000080.4(CHRNE):c.45C>T (p.Leu15=)

Genes: C17orf107 (chromosome 17 open reading frame 107; plus strand), CHRNE (cholinergic receptor nicotinic epsilon subunit; minus strand). Cytogenetic location: 17p13.2.
Variant type: single nucleotide variant.
Coding change: c.45C>T on transcript NM_000080.4 (MANE Select); coding-DNA position 45, C replaced by T.
Protein change: p.Leu15=; no amino-acid change (leucine 15 retained).
Molecular consequence: synonymous variant.
Genome position (GRCh38, 1-based): chr17:4,903,019, G>A on the plus strand (C>T on the coding strand, the complement: CHRNE is on the minus strand). VCF-style: chr17-4903019-G-A. GRCh37 (hg19) VCF-style: chr17-4806314-G-A.
Other names: c.45C>T, p.Leu15= (LRG_1254t1).
Identifiers: ClinVar variation 128766 (VCV000128766.23), dbSNP rs34563587, ClinGen allele CA152414.